The following is an entry in ClinVar:

NM_005026.5(PIK3CD):c.2320G>A (p.Val774Met)

Gene: PIK3CD (phosphatidylinositol-4,5-bisphosphate 3-kinase catalytic subunit delta; plus strand). Cytogenetic location: 1p36.22.
Variant type: single nucleotide variant.
Coding change: c.2320G>A on transcript NM_005026.5 (MANE Select); coding-DNA position 2320, G replaced by A.
Protein change: p.Val774Met; replaces valine 774 with methionine.
Molecular consequence: missense variant.
Genome position (GRCh38, 1-based): chr1:9,722,329, G>A. VCF-style: chr1-9722329-G-A. GRCh37 (hg19) VCF-style: chr1-9782387-G-A.
Other names: c.2320G>A (LRG_191t1); c.2317G>A, p.Val773Met (NM_001350234.2); c.2233G>A, p.Val745Met (NM_001350235.1); short protein forms V773M, V774M, V745M.
Identifiers: ClinVar variation 663967 (VCV000663967.18), dbSNP rs370932461, ClinGen allele CA577492.

ClinVar aggregate classification (germline): Uncertain significance. Review status: criteria provided, multiple submitters, no conflicts (2 of 4 stars). 4 submissions from 4 submitters: Uncertain significance (3). 1 of the submissions does not count toward it. Last evaluated 2026-02-01.

Conditions:
Activated PI3K-delta syndrome. Identifiers: Orphanet 397596, MedGen C3714976, MONDO:0018338.
Immunodeficiency 14 (IMD14A). Also called: p110-DELTA-ACTIVATING MUTATION CAUSING SENESCENT T CELLS, LYMPHADENOPATHY, AND IMMUNODEFICIENCY; IMMUNODEFICIENCY 14A WITH LYMPHOPROLIFERATION, AUTOSOMAL DOMINANT; ACTIVATED PI3K-DELTA SYNDROME 1; Activated PI3K Delta Syndrome Type 1 (APDS1). Identifiers: Orphanet 397596, Orphanet 693661, MedGen C5907821, MONDO:0014222, OMIM 615513.

Allele frequency attached by ClinVar (database versions not stated): TOPMed 0.00004; gnomAD exomes 0.00004 and 0.00002; gnomAD 0.00006; ExAC 0.00002; ESP Exome Variant Server 0.00008.
gnomAD v4.1: 60 of 1,612,938 alleles (0.0037%); highest among the groups gnomAD compares: Middle Eastern, 0.016%; no homozygotes.

Submissions (4):

Labcorp Genetics (formerly Invitae), Labcorp
Classification: Uncertain significance for Activated PI3K-delta syndrome. Last evaluated: 2026-02-01. Review status: criteria provided, single submitter. Criteria: Invitae Variant Classification Sherloc (09022015). Collection method: clinical testing. Allele origin: germline.
Comment: This sequence change replaces valine, which is neutral and non-polar, with methionine, which is neutral and non-polar, at codon 774 of the PIK3CD protein (p.Val774Met). This variant is present in population databases (rs370932461, gnomAD 0.008%). This variant has not been reported in the literature in individuals affected with PIK3CD-related conditions. ClinVar contains an entry for this variant (Variation ID: 663967). An algorithm developed to predict the effect of missense changes on protein structure and function (PolyPhen-2) suggests that this variant is likely to be tolerated. In summary, the available evidence is currently insufficient to determine the role of this variant in disease. Therefore, it has been classified as a Variant of Uncertain Significance.

Blueprint Genetics
Classification: Uncertain significance. Last evaluated: 2019-08-30. Review status: criteria provided, single submitter. Criteria: ACMG Guidelines, 2015. Collection method: clinical testing. Allele origin: germline.

ARUP Laboratories, Molecular Genetics and Genomics, ARUP Laboratories
Classification: Uncertain significance for Immunodeficiency 14. Last evaluated: 2018-07-09. Review status: criteria provided, single submitter. Criteria: ARUP Molecular Germline Variant Investigation Process. Collection method: clinical testing. Allele origin: germline.
Comment: The PIK3CD c.2320G>A; p.Val774Met variant (rs370932461), to our knowledge, is not reported in the medical literature or in gene-specific databases, but is observed in the general population at an overall frequency of 0.0033% (9/273466 alleles) in the Genome Aggregation Database. The valine at codon 774 is moderately conserved, but computational algorithms (PolyPhen-2: benign, SIFT: damaging) predict conflicting effects of this variant on protein structure/function. Due to the lack of clinical and functional data regarding this variant, its clinical significance cannot be determined with certainty.

Rarefied Biosciences Lab
Classification: Likely benign for Activated PI3K-delta syndrome. Review status: no assertion criteria provided. Collection method: research. Allele origin: germline, not applicable. Affected: yes. Not counted in ClinVar's aggregate classification.
Comment: The following variant .Val774Met is likely benign due to experimental evidence showing no abnormal function of TFH, mTOR, and transitional B cells which are hallmarks of affected patients.

Literature cited by the submitters: PubMed 31031754 (cited by Rarefied Biosciences Lab).